The following is an entry in ClinVar:

NM_000548.5(TSC2):c.2537del (p.Phe846fs)

Gene: TSC2 (TSC complex subunit 2; plus strand). Cytogenetic location: 16p13.3.
Variant type: Deletion.
Coding change: c.2537del on transcript NM_000548.5 (MANE Select); coding-DNA position 2537, one base deleted (T; older notation c.2537delT).
Protein change: p.Phe846fs; shifts the reading frame from phenylalanine 846.
Molecular consequence: frameshift variant.
Genome position (GRCh38, 1-based): chr16:2,074,381, T deleted; the last of 2 consecutive T bases (chr16:2,074,380-2,074,381); deleting either gives the same sequence. VCF-style (leftmost placement, unchanged base first): chr16-2074379-GT-G. GRCh37 (hg19) VCF-style: chr16-2124380-GT-G.
Other names: c.2537del, p.Phe846fs (NM_001077183.3, NM_001114382.3, NM_001363528.2 and 3 more transcripts); c.2426del, p.Phe809fs (NM_001318827.2); c.2390del, p.Phe797fs (NM_001318829.2); c.1937del, p.Phe646fs (NM_001318831.2); c.2570del, p.Phe857fs (NM_001318832.2); c.2537delT, p.Phe846Serfs (NM_001406663.1, NM_001406664.1, NM_001406665.1); c.2627delT, p.Phe876Serfs (NM_001406667.1, NM_001406668.1); c.2426delT, p.Phe809Serfs (NM_001406670.1, NM_001406678.1); and 7 more; short protein forms F646fs, F797fs, F809fs, F846fs, F857fs.
Identifiers: ClinVar variation 1705633 (VCV001705633.1), dbSNP rs2543828455, ClinGen allele CA2580090840.

ClinVar aggregate classification (germline): Likely pathogenic (1 of 4 stars; one submission).

Conditions:
Tuberous sclerosis 2 (TSC2). Identifiers: Orphanet 805, MedGen C1860707, MONDO:0013199, OMIM 613254.

Submission:

3billion
Classification: Likely pathogenic for Tuberous sclerosis 2. Last evaluated: 2022-09-01. Review status: criteria provided, single submitter. Criteria: ACMG Guidelines, 2015. Collection method: clinical testing. Allele origin: germline. Affected: yes. Observed: 1 heterozygote.
Comment: The variant is not observed in the gnomAD v2.1.1 dataset. Frameshift variant is predicted to result in a loss or disruption of normal protein function through nonsense-mediated decay (NMD) or protein truncation. Multiple pathogenic variants are reported downstream of the variant.